The following is an entry in ClinVar:

ClinVar aggregate classification (germline): Uncertain significance (1 of 4 stars; one submission).

Conditions:
Vici syndrome (VICIS). Identifiers: Orphanet 1493, MedGen C1855772, MONDO:0009452, OMIM 242840.

gnomAD v4.1: 3 of 1,610,258 alleles (0.00019%); highest among the groups gnomAD compares: Admixed American, 0.0051%; no homozygotes.

Submission:

Labcorp Genetics (formerly Invitae), Labcorp
Classification: Uncertain significance for Vici syndrome. Last evaluated: 2022-05-06. Review status: criteria provided, single submitter. Criteria: Invitae Variant Classification Sherloc (09022015). Collection method: clinical testing. Allele origin: germline.
Comment: This sequence change replaces isoleucine, which is neutral and non-polar, with valine, which is neutral and non-polar, at codon 1311 of the EPG5 protein (p.Ile1311Val). This variant is present in population databases (no rsID available, gnomAD 0.003%). This variant has not been reported in the literature in individuals affected with EPG5-related conditions. ClinVar contains an entry for this variant (Variation ID: 946686). Algorithms developed to predict the effect of missense changes on protein structure and function are either unavailable or do not agree on the potential impact of this missense change (SIFT: "Tolerated"; PolyPhen-2: "Possibly Damaging"; Align-GVGD: "Class C0"). In summary, the available evidence is currently insufficient to determine the role of this variant in disease. Therefore, it has been classified as a Variant of Uncertain Significance.

NM_020964.3(EPG5):c.3931A>G (p.Ile1311Val)

Gene: EPG5 (ectopic P-granules 5 autophagy tethering factor; minus strand). Cytogenetic location: 18q21.1.
Variant type: single nucleotide variant.
Coding change: c.3931A>G on transcript NM_020964.3 (MANE Select); coding-DNA position 3931, A replaced by G.
Protein change: p.Ile1311Val; replaces isoleucine 1311 with valine.
Molecular consequence: missense variant.
Genome position (GRCh38, 1-based): chr18:45,912,342, T>C on the plus strand (A>G on the coding strand, the complement: EPG5 is on the minus strand). VCF-style: chr18-45912342-T-C. GRCh37 (hg19) VCF-style: chr18-43492307-T-C.
Other names: short protein forms I1311V.
Identifiers: ClinVar variation 946686 (VCV000946686.8), dbSNP rs1000037657, ClinGen allele CA299761740.